The following is an entry in ClinVar:

ClinVar aggregate classification (germline): Uncertain significance (0 of 4 stars; one submission).

Submission:

ISCA site 1
Classification: Uncertain significance. Last evaluated: 2011-05-06. Review status: no assertion criteria provided. Collection method: clinical testing. Allele origin: paternal. Affected: yes. Observed: 1 variant allele.
Comment: Copy number variation identified through the course of routine clinical cytogenomic testing in postnatal populations. Clinical assertions have been curated as described in Kaminsky et al. 2011.

Copy number variation identified through the course of routine clinical cytogenomic testing in postnatal populations. Clinical assertions have been curated as described in Kaminsky, et al. 2011 (PubMed 21844811). For additional ClinGen data, please see nstd37.

GRCh38/hg38 8q11.1-11.21(chr8:46709224-47276395)x3

Genes: IGLV8OR8-1 (immunoglobulin lambda variable 8/OR8-1 (pseudogene); minus strand), LINC00293 (long intergenic non-protein coding RNA 293; plus strand), SPIDR (scaffold protein involved in DNA repair; plus strand), LOC100287846 (uncharacterized LOC100287846; plus strand), LOC105375814 (uncharacterized LOC105375814; minus strand) and 3 more. Cytogenetic location: 8q11.1-11.21.
Variant type: copy number gain.
Change: copy number 3 (three copies instead of two) of chr8:46,709,224-47,276,395 (567.2 kb, GRCh38 coordinates, 1-based), cytogenetic band 8q11.1-11.21.
Identifiers: ClinVar variation 146417 (VCV000146417.2).